The following is an entry in ClinVar:

ClinVar aggregate classification (germline): Uncertain significance (1 of 4 stars; one submission).

gnomAD v4.1: 2 of 1,182,153 alleles (0.00017%); highest among the groups gnomAD compares: Admixed American, 0.0046%; no homozygotes.

Submission:

GeneDx
Classification: Uncertain significance. Last evaluated: 2025-03-26. Review status: criteria provided, single submitter. Criteria: GeneDx Variant Classification Process June 2021. Collection method: clinical testing. Allele origin: germline. Affected: yes.
Comment: In silico analysis indicates that this missense variant does not alter protein structure/function; Has not been previously published as pathogenic or benign to our knowledge

NM_001136157.2(OTUD5):c.584C>T (p.Thr195Ile)

Gene: OTUD5 (OTU deubiquitinase 5; minus strand). Cytogenetic location: Xp11.23.
Variant type: single nucleotide variant.
Coding change: c.584C>T on transcript NM_001136157.2 (MANE Select); coding-DNA position 584, C replaced by T.
Protein change: p.Thr195Ile; replaces threonine 195 with isoleucine.
Molecular consequence: missense variant. On other transcripts: intron variant (1).
Genome position (GRCh38, 1-based): chrX:48,956,987, G>A on the plus strand (C>T on the coding strand, the complement: OTUD5 is on the minus strand). VCF-style: chrX-48956987-G-A. GRCh37 (hg19) VCF-style: chrX-48814249-G-A.
Other names: c.584C>T, p.Thr195Ile (NM_001136158.2, NM_017602.4); c.-58+1245C>T (NM_001136159.2); short protein forms T195I.
Identifiers: ClinVar variation 4278681 (VCV004278681.1).